The following is an entry in ClinVar:

ClinVar aggregate classification (germline): Conflicting classifications of pathogenicity. Review status: criteria provided, conflicting classifications (1 of 4 stars). 3 submissions from 3 submitters: Uncertain significance (1); Likely benign (2). Last evaluated 2026-07-12.

Conditions:
DNMT1-related disorder. Also called: DNMT1-related condition. Identifiers: MedGen CN381527.
Hereditary sensory neuropathy-deafness-dementia syndrome. Also called: Hereditary Sensory and Autonomic Neuropathy Type 1E (HSAN1E); HSN IE; NEUROPATHY, HEREDITARY SENSORY, WITH HEARING LOSS AND DEMENTIA; Hereditary sensory neuropathy type IE. Identifiers: Orphanet 456318, MedGen C3279885, MONDO:0013584, OMIM 614116.

gnomAD v4.1: 18 of 1,601,082 alleles (0.0011%); highest among the groups gnomAD compares: Admixed American, 0.012%; 1 homozygote.

Submissions (3):

PreventionGenetics, part of Exact Sciences
Classification: Likely benign for DNMT1-related condition. Last evaluated: 2026-07-12. Review status: criteria provided, single submitter. Criteria: ACMG Guidelines, 2015. Collection method: clinical testing. Allele origin: germline.
Comment: This variant is classified as likely benign based on ACMG/AMP sequence variant interpretation guidelines (Richards et al. 2015 PMID: 25741868, with internal and published modifications).

Labcorp Genetics (formerly Invitae), Labcorp
Classification: Likely benign for Hereditary sensory neuropathy-deafness-dementia syndrome. Last evaluated: 2025-02-15. Review status: criteria provided, single submitter. Criteria: Invitae Variant Classification Sherloc (09022015). Collection method: clinical testing. Allele origin: germline.

Eurofins Ntd Llc (ga)
Classification: Uncertain significance. Last evaluated: 2016-02-04. Review status: criteria provided, single submitter. Criteria: EGL Classification Definitions 2015. Collection method: clinical testing. Allele origin: germline. Observed: 1 variant allele, 1 heterozygote.

NM_001130823.3(DNMT1):c.3949-5C>G

Gene: DNMT1 (DNA methyltransferase 1; minus strand). Cytogenetic location: 19p13.2.
Variant type: single nucleotide variant.
Coding change: c.3949-5C>G on transcript NM_001130823.3 (MANE Select); 5 bases into the intron before coding-DNA position 3949, C replaced by G.
Molecular consequence: intron variant.
Genome position (GRCh38, 1-based): chr19:10,138,610, G>C on the plus strand (C>G on the coding strand, the complement: DNMT1 is on the minus strand). VCF-style: chr19-10138610-G-C. GRCh37 (hg19) VCF-style: chr19-10249286-G-C.
Other names: c.3586-5C>G (NM_001318731.2); c.3901-5C>G (NM_001379.4, NM_001318730.2); c.3949-5C>G (NM_001130823.2).
Identifiers: ClinVar variation 285800 (VCV000285800.16), dbSNP rs773047717, ClinGen allele CA10605254.